The following is an entry in ClinVar:

ClinVar aggregate classification (germline): Conflicting classifications of pathogenicity. Review status: criteria provided, conflicting classifications (1 of 4 stars). 6 submissions from 6 submitters: Uncertain significance (5); Likely benign (1). Last evaluated 2026-01-16.

Conditions:
Hereditary nonpolyposis colorectal neoplasms. Identifiers: MedGen C0009405, MeSH D003123.
Hereditary cancer-predisposing syndrome. Also called: Neoplastic Syndromes, Hereditary; Tumor predisposition; Hereditary Cancer Syndrome; Hereditary neoplastic syndrome. Identifiers: Orphanet 140162, MedGen C0027672, MeSH D009386, MONDO:0015356.

Allele frequency attached by ClinVar (database versions not stated): gnomAD exomes below 0.00001 and 0.00001; TOPMed below 0.00001; ExAC 0.00001.
gnomAD v4.1: 6 of 1,416,620 alleles (0.00042%); highest among the groups gnomAD compares: South Asian, 0.0012%; no homozygotes.

Submissions (6):

Labcorp Genetics (formerly Invitae), Labcorp
Classification: Uncertain significance for Hereditary nonpolyposis colorectal neoplasms. Last evaluated: 2026-01-16. Review status: criteria provided, single submitter. Criteria: Invitae Variant Classification Sherloc (09022015). Collection method: clinical testing. Allele origin: germline.
Comment: This sequence change falls in intron 7 of the PMS2 gene. It does not directly change the encoded amino acid sequence of the PMS2 protein. It affects a nucleotide within the consensus splice site. This variant is present in population databases (rs756312205, gnomAD 0.0009%). This variant has been observed in individual(s) with prostate cancer and/or personal or family history of hereditary breast and/or ovarian cancer (PMID: 29368341, 31159747). ClinVar contains an entry for this variant (Variation ID: 484256). Variants that disrupt the consensus splice site are a relatively common cause of aberrant splicing (PMID: 17576681, 9536098). Studies have shown that this variant is associated with altered splicing resulting in multiple RNA products (internal data). In summary, the available evidence is currently insufficient to determine the role of this variant in disease. Therefore, it has been classified as a Variant of Uncertain Significance.

Ambry Genetics
Classification: Likely benign for Hereditary cancer-predisposing syndrome. Last evaluated: 2024-10-07. Review status: criteria provided, single submitter. Criteria: Ambry Variant Classification Scheme 2023. Collection method: clinical testing. Allele origin: germline.

Quest Diagnostics Nichols Institute San Juan Capistrano
Classification: Uncertain significance. Last evaluated: 2024-05-01. Review status: criteria provided, single submitter. Criteria: Quest Diagnostics criteria. Collection method: clinical testing. Allele origin: unknown.
Comment: The PMS2 c.803+4A>G variant has been reported in the published literature in individuals with prostate cancer (PMID: 29368341 (2018)) and personal and/or family history of breast and/or ovarian cancer (PMID: 31159747 (2019)). The frequency of this variant in the general population, 0.0000081 (2/248408 chromosomes (Genome Aggregation Database)), is uninformative in the assessment of its pathogenicity. Analysis of this variant using software algorithms for the prediction of the effect of nucleotide changes on splicing yielded predictions that this variant may affect proper PMS2 mRNA splicing. Based on the available information, we are unable to determine the clinical significance of this variant.

Color Diagnostics, LLC DBA Color Health
Classification: Uncertain significance for Hereditary cancer-predisposing syndrome. Last evaluated: 2022-04-05. Review status: criteria provided, single submitter. Criteria: ACMG Guidelines, 2015. Collection method: clinical testing. Allele origin: germline.
Comment: This variant causes an A to G nucleotide substitution at the +4 position of intron 7 of the PMS2 gene. Splice site prediction tools are inconclusive on whether this variant has a significant impact on RNA splicing. This variant has not been reported in individuals affected with hereditary cancer in the literature. This variant has been identified in 2/248408 chromosomes in the general population by the Genome Aggregation Database (gnomAD). The available evidence is insufficient to determine the role of this variant in disease conclusively. Therefore, this variant is classified as a Variant of Uncertain Significance.

Sema4
Classification: Uncertain significance for Hereditary cancer-predisposing syndrome. Last evaluated: 2021-08-03. Review status: criteria provided, single submitter. Criteria: Sema4 Curation Guidelines. Collection method: curation. Allele origin: germline.
Comment: The PMS2 c.803+4A>G variant has been reported in at least one individual with prostate cancer (PMID: 29368341). It was observed in 2/112508 chromosomes of the Non-Finnish European subpopulation in the large and broad cohorts of the Genome Aggregation Database (PMID: 32461654). The variant has been reported in ClinVar (Variation ID 484256). In silico tools suggest that the variant may have an impact on mRNA splicing, though these predictions have not been confirmed by functional studies. The evidence is insufficient to meet ACMG/AMP criteria for classifying the variant as benign or pathogenic. Thus, the clinical significance of this variant is currently uncertain.

GeneKor MSA
Classification: Uncertain significance for Hereditary cancer-predisposing syndrome. Last evaluated: 2018-08-01. Review status: criteria provided, single submitter. Criteria: ACMG Guidelines, 2015. Collection method: clinical testing. Allele origin: germline.

Literature cited by the submitters: PubMed 29368341 (cited by 4 submitters); PubMed 31159747 (cited by 3 submitters); PubMed 17576681 (cited by Labcorp Genetics (formerly Invitae), Labcorp); PubMed 9536098 (cited by Labcorp Genetics (formerly Invitae), Labcorp).

NM_000535.7(PMS2):c.803+4A>G

Gene: PMS2 (PMS1 homolog 2, mismatch repair system component; minus strand). Cytogenetic location: 7p22.1.
Variant type: single nucleotide variant.
Coding change: c.803+4A>G on transcript NM_000535.7 (MANE Select); 4 bases into the intron after coding-DNA position 803, A replaced by G.
Molecular consequence: intron variant.
Genome position (GRCh38, 1-based): chr7:5,997,322, T>C on the plus strand (A>G on the coding strand, the complement: PMS2 is on the minus strand). VCF-style: chr7-5997322-T-C. GRCh37 (hg19) VCF-style: chr7-6036953-T-C.
Other names: c.485+4A>G (NM_001322008.2, NM_001322007.2); c.398+4A>G (NM_001322010.2, NM_001322004.2, NM_001322003.2 and 2 more transcripts); c.230+4A>G (NM_001322013.2); c.-131+4A>G (NM_001322012.2, NM_001322011.2); c.494+4A>G (NM_001322015.2); c.803+4A>G (NM_001322006.2, NM_001322014.2).
Identifiers: ClinVar variation 484256 (VCV000484256.21), dbSNP rs756312205, ClinGen allele CA051778.